The following is an entry in ClinVar:

NM_002524.5(NRAS):c.260G>A (p.Ser87Asn)

Gene: NRAS (NRAS proto-oncogene, GTPase; minus strand). Cytogenetic location: 1p13.2.
Variant type: single nucleotide variant.
Coding change: c.260G>A on transcript NM_002524.5 (MANE Select); coding-DNA position 260, G replaced by A.
Protein change: p.Ser87Asn; replaces serine 87 with asparagine.
Molecular consequence: missense variant.
Genome position (GRCh38, 1-based): chr1:114,713,830, C>T on the plus strand (G>A on the coding strand, the complement: NRAS is on the minus strand). VCF-style: chr1-114713830-C-T. GRCh37 (hg19) VCF-style: chr1-115256451-C-T.
Other names: c.260G>A (NM_002524.3); short protein forms S87N.
Identifiers: ClinVar variation 1490849 (VCV001490849.7), dbSNP rs1385254281, ClinGen allele CA341741398.

ClinVar aggregate classification (germline): Uncertain significance. Review status: criteria provided, multiple submitters, no conflicts (2 of 4 stars). 2 submissions from 2 submitters: Uncertain significance (2). Last evaluated 2023-07-24.

Conditions:
RASopathy. Also called: Noonan spectrum disorder; rasopathies. Identifiers: Orphanet 536391, MedGen C5555857, MONDO:0021060.

Allele frequency attached by ClinVar (database versions not stated): gnomAD exomes below 0.00001.

Submissions (2):

Labcorp Genetics (formerly Invitae), Labcorp
Classification: Uncertain significance for RASopathy. Last evaluated: 2023-07-24. Review status: criteria provided, single submitter. Criteria: Invitae Variant Classification Sherloc (09022015). Collection method: clinical testing. Allele origin: germline.
Comment: This sequence change replaces serine, which is neutral and polar, with asparagine, which is neutral and polar, at codon 87 of the NRAS protein (p.Ser87Asn). This variant is present in population databases (no rsID available, gnomAD 0.0009%). This variant has not been reported in the literature in individuals affected with NRAS-related conditions. ClinVar contains an entry for this variant (Variation ID: 1490849). Advanced modeling of protein sequence and biophysical properties (such as structural, functional, and spatial information, amino acid conservation, physicochemical variation, residue mobility, and thermodynamic stability) performed at Invitae indicates that this missense variant is not expected to disrupt NRAS protein function. In summary, the available evidence is currently insufficient to determine the role of this variant in disease. Therefore, it has been classified as a Variant of Uncertain Significance.

GeneDx
Classification: Uncertain significance. Last evaluated: 2022-11-15. Review status: criteria provided, single submitter. Criteria: GeneDx Variant Classification Process June 2021. Collection method: clinical testing. Allele origin: germline. Affected: yes.
Comment: Missense variants in this gene are often considered pathogenic (HGMD); In silico analysis supports that this missense variant does not alter protein structure/function; Has not been previously published as pathogenic or benign to our knowledge